The following is an entry in ClinVar:

ClinVar aggregate classification (germline): Pathogenic. Review status: criteria provided, single submitter (1 of 4 stars). 2 submissions from 2 submitters: Pathogenic (1). 1 of the submissions does not count toward it. Last evaluated 2015-10-23.

Conditions:
DYRK1A-related intellectual disability syndrome (MRD7). Also called: Intellectual developmental disorder, autosomal dominant 7; DYRK1A Syndrome. Identifiers: Orphanet 464306, MedGen C5568143, MONDO:0013578, OMIM 614104.

Submissions (2):

Center of Genomic medicine, Geneva, University Hospital of Geneva
Classification: Pathogenic for DYRK1A-related intellectual disability syndrome. Last evaluated: 2015-10-23. Review status: criteria provided, single submitter. Criteria: ACMG Guidelines, 2015. Collection method: clinical testing. Allele origin: de novo. Affected: yes.
Comment: Loss of function mutation of DYRK1A gene cause mental retardation with autosomal dominant microcephaly. This variant has been reported to be present in one patient with similar phenotype (PMID: 23160955)

OMIM
Classification: Pathogenic for INTELLECTUAL DEVELOPMENTAL DISORDER, AUTOSOMAL DOMINANT 7. Last evaluated: 2012-12-21. Review status: no assertion criteria provided. Collection method: literature only. Allele origin: germline. Not counted in ClinVar's aggregate classification.

Literature cited by the submitters: PubMed 23160955 (cited by Center of Genomic medicine, Geneva, University Hospital of Geneva and OMIM).

NM_001347721.2(DYRK1A):c.1464del (p.Ala489fs)

Gene: DYRK1A (dual specificity tyrosine phosphorylation regulated kinase 1A; plus strand). Cytogenetic location: 21q22.13.
Variant type: Deletion.
Coding change: c.1464del on transcript NM_001347721.2 (MANE Select); coding-DNA position 1464, one base deleted (C; older notation c.1464delC).
Protein change: p.Ala489fs; shifts the reading frame from alanine 489.
Molecular consequence: frameshift variant.
Genome position (GRCh38, 1-based): chr21:37,505,534, C deleted; the last of 4 consecutive C bases (chr21:37,505,531-37,505,534); deleting any one gives the same sequence. VCF-style (leftmost placement, unchanged base first): chr21-37505530-GC-G. GRCh37 (hg19) VCF-style: chr21-38877833-GC-G.
Other names: c.1464del, p.Ala489fs (NM_001347722.2, NM_130436.2); c.1377del, p.Ala460fs (NM_001347723.2); c.1491del, p.Ala498fs (NM_001396.5, NM_101395.2, NM_130438.2); short protein forms A460fs, A498fs, A489fs.
Identifiers: ClinVar variation 375629 (VCV000375629.3), dbSNP rs1057519628, ClinGen allele CA16602265.